The following is an entry in ClinVar:

NM_004104.5(FASN):c.5095G>A (p.Val1699Met)

Gene: FASN (fatty acid synthase; minus strand). Cytogenetic location: 17q25.3.
Variant type: single nucleotide variant.
Coding change: c.5095G>A on transcript NM_004104.5 (MANE Select); coding-DNA position 5095, G replaced by A.
Protein change: p.Val1699Met; replaces valine 1699 with methionine.
Molecular consequence: missense variant.
Genome position (GRCh38, 1-based): chr17:82,083,978, C>T on the plus strand (G>A on the coding strand, the complement: FASN is on the minus strand). VCF-style: chr17-82083978-C-T. GRCh37 (hg19) VCF-style: chr17-80041854-C-T.
Other names: short protein forms V1699M.
Identifiers: ClinVar variation 967431 (VCV000967431.9), dbSNP rs763579516, ClinGen allele CA8851837.

ClinVar aggregate classification (germline): Uncertain significance (1 of 4 stars; one submission).

Conditions:
Epileptic encephalopathy. Identifiers: MedGen C0543888, HP:0200134.

Allele frequency attached by ClinVar (database versions not stated): TOPMed 0.00029.

Submission:

Labcorp Genetics (formerly Invitae), Labcorp
Classification: Uncertain significance for Epileptic encephalopathy. Last evaluated: 2026-01-06. Review status: criteria provided, single submitter. Criteria: Invitae Variant Classification Sherloc (09022015). Collection method: clinical testing. Allele origin: germline.
Comment: This sequence change replaces valine, which is neutral and non-polar, with methionine, which is neutral and non-polar, at codon 1699 of the FASN protein (p.Val1699Met). This variant is present in population databases (rs763579516, gnomAD 0.06%). This variant has not been reported in the literature in individuals affected with FASN-related conditions. ClinVar contains an entry for this variant (Variation ID: 967431). An algorithm developed to predict the effect of missense changes on protein structure and function (PolyPhen-2) suggests that this variant is likely to be disruptive. In summary, the available evidence is currently insufficient to determine the role of this variant in disease. Therefore, it has been classified as a Variant of Uncertain Significance.